The following is an entry in ClinVar:

NM_002439.5(MSH3):c.3190G>A (p.Ala1064Thr)

Gene: MSH3 (mutS homolog 3; plus strand). Cytogenetic location: 5q14.1.
Variant type: single nucleotide variant.
Coding change: c.3190G>A on transcript NM_002439.5 (MANE Select); coding-DNA position 3190, G replaced by A.
Protein change: p.Ala1064Thr; replaces alanine 1064 with threonine.
Molecular consequence: missense variant.
Genome position (GRCh38, 1-based): chr5:80,873,175, G>A. VCF-style: chr5-80873175-G-A. GRCh37 (hg19) VCF-style: chr5-80168994-G-A.
Other names: short protein forms A1064T.
Identifiers: ClinVar variation 664411 (VCV000664411.13), dbSNP rs745375580, ClinGen allele CA3328480.

ClinVar aggregate classification (germline): Uncertain significance. Review status: criteria provided, multiple submitters, no conflicts (2 of 4 stars). 3 submissions from 3 submitters: Uncertain significance (3). Last evaluated 2025-09-30.

Conditions:
Hereditary cancer-predisposing syndrome. Also called: Tumor predisposition; Hereditary neoplastic syndrome; Neoplastic Syndromes, Hereditary; Hereditary Cancer Syndrome. Identifiers: Orphanet 140162, MedGen C0027672, MeSH D009386, MONDO:0015356.
Endometrial carcinoma. Also called: Endometrial carcinoma, somatic. Identifiers: MedGen C0476089, MONDO:0002447, OMIM 608089, HP:0012114.

Allele frequency attached by ClinVar (database versions not stated): gnomAD exomes below 0.00001; ExAC 0.00001; gnomAD 0.00001.
gnomAD v4.1: 6 of 1,613,648 alleles (0.00037%); highest among the groups gnomAD compares: African/African-American, 0.0027%; no homozygotes.

Submissions (3):

Labcorp Genetics (formerly Invitae), Labcorp
Classification: Uncertain significance. Last evaluated: 2025-09-30. Review status: criteria provided, single submitter. Criteria: Invitae Variant Classification Sherloc (09022015). Collection method: clinical testing. Allele origin: germline.
Comment: This sequence change replaces alanine, which is neutral and non-polar, with threonine, which is neutral and polar, at codon 1064 of the MSH3 protein (p.Ala1064Thr). This variant is present in population databases (rs745375580, gnomAD 0.004%). This missense change has been observed in individual(s) with colorectal cancer (PMID: 29212164). ClinVar contains an entry for this variant (Variation ID: 664411). An algorithm developed to predict the effect of missense changes on protein structure and function (PolyPhen-2) suggests that this variant is likely to be disruptive. In summary, the available evidence is currently insufficient to determine the role of this variant in disease. Therefore, it has been classified as a Variant of Uncertain Significance.

Ambry Genetics
Classification: Uncertain significance for Hereditary cancer-predisposing syndrome. Last evaluated: 2024-06-17. Review status: criteria provided, single submitter. Criteria: Ambry Variant Classification Scheme 2023. Collection method: clinical testing. Allele origin: germline.
Comment: The p.A1064T variant (also known as c.3190G>A), located in coding exon 23 of the MSH3 gene, results from a G to A substitution at nucleotide position 3190. The alanine at codon 1064 is replaced by threonine, an amino acid with similar properties. This alteration has been reported in a familial colorectal cancer cohort (Raskin L et al. Oncotarget, 2017 Nov;8:93450-93463). This amino acid position is well conserved in available vertebrate species. In addition, the in silico prediction for this alteration is inconclusive. Since supporting evidence is limited at this time, the clinical significance of this alteration remains unclear.

Baylor Genetics
Classification: Uncertain significance for Endometrial carcinoma. Last evaluated: 2024-02-23. Review status: criteria provided, single submitter. Criteria: ACMG Guidelines, 2015. Collection method: clinical testing. Allele origin: unknown.

Literature cited by the submitters: PubMed 29212164 (cited by Labcorp Genetics (formerly Invitae), Labcorp and Ambry Genetics).